The following is an entry in ClinVar:

NM_006031.6(PCNT):c.3232G>A (p.Ala1078Thr)

Gene: PCNT (pericentrin; plus strand). Cytogenetic location: 21q22.3.
Variant type: single nucleotide variant.
Coding change: c.3232G>A on transcript NM_006031.6 (MANE Select); coding-DNA position 3232, G replaced by A.
Protein change: p.Ala1078Thr; replaces alanine 1078 with threonine.
Molecular consequence: missense variant.
Genome position (GRCh38, 1-based): chr21:46,381,760, G>A. VCF-style: chr21-46381760-G-A. GRCh37 (hg19) VCF-style: chr21-47801675-G-A.
Other names: c.2878G>A, p.Ala960Thr (NM_001315529.2); short protein forms A1078T, A960T.
Identifiers: ClinVar variation 4999985 (VCV004999985.1).

ClinVar aggregate classification (germline): Uncertain significance (1 of 4 stars; one submission).

Conditions:
PCNT-related disorder. Also called: PCNT-related condition.

gnomAD v4.1: 1 of 1,614,018 alleles (0.000062%); highest among the groups gnomAD compares: Non-Finnish European, 0.000085%; no homozygotes.

Submission:

PreventionGenetics, part of Exact Sciences
Classification: Uncertain significance for PCNT-related condition. Last evaluated: 2026-03-31. Review status: criteria provided, single submitter. Criteria: ACMG Guidelines, 2015. Collection method: clinical testing. Allele origin: germline.
Comment: The PCNT c.3232G>A variant is predicted to result in the amino acid substitution p.Ala1078Thr. To our knowledge, this variant has not been reported in the literature. This variant is reported in 0.0065% of alleles in individuals of European (Non-Finnish) descent in gnomAD. At this time, the clinical significance of this variant is uncertain due to the absence of conclusive functional and genetic evidence.